The following is an entry in ClinVar:

NM_005228.5(EGFR):c.2494C>T (p.Arg832Cys)

Gene: EGFR (epidermal growth factor receptor; plus strand). Cytogenetic location: 7p11.2.
Variant type: single nucleotide variant.
Coding change: c.2494C>T on transcript NM_005228.5 (MANE Select); coding-DNA position 2494, C replaced by T.
Protein change: p.Arg832Cys; replaces arginine 832 with cysteine.
Molecular consequence: missense variant.
Genome position (GRCh38, 1-based): chr7:55,191,743, C>T. VCF-style: chr7-55191743-C-T. GRCh37 (hg19) VCF-style: chr7-55259436-C-T.
Other names: c.2359C>T, p.Arg787Cys (NM_001346897.2, NM_001346899.2); c.2494C>T, p.Arg832Cys (NM_001346898.2); c.2335C>T, p.Arg779Cys (NM_001346900.2); c.1693C>T, p.Arg565Cys (NM_001346941.2); short protein forms R565C, R779C, R787C, R832C.
Identifiers: ClinVar variation 936373 (VCV000936373.9), dbSNP rs745812480, ClinGen allele CA4266105.

ClinVar aggregate classification (germline): Uncertain significance. Review status: criteria provided, multiple submitters, no conflicts (2 of 4 stars). 2 submissions from 2 submitters: Uncertain significance (2). Last evaluated 2025-04-30.

Conditions:
EGFR-related lung cancer (EGFR). Identifiers: MedGen CN130014.
Hereditary cancer-predisposing syndrome. Also called: Tumor predisposition; Hereditary neoplastic syndrome; Hereditary Cancer Syndrome; Neoplastic Syndromes, Hereditary. Identifiers: Orphanet 140162, MedGen C0027672, MeSH D009386, MONDO:0015356.

Allele frequency attached by ClinVar (database versions not stated): gnomAD exomes below 0.00001; ExAC 0.00001.
gnomAD v4.1: 5 of 1,613,962 alleles (0.00031%); highest among the groups gnomAD compares: Non-Finnish European, 0.00042%; no homozygotes.

Submissions (2):

Ambry Genetics
Classification: Uncertain significance for Hereditary cancer-predisposing syndrome. Last evaluated: 2025-04-30. Review status: criteria provided, single submitter. Criteria: Ambry Variant Classification Scheme 2023. Collection method: clinical testing. Allele origin: germline.
Comment: The p.R832C variant (also known as c.2494C>T), located in coding exon 21 of the EGFR gene, results from a C to T substitution at nucleotide position 2494. The arginine at codon 832 is replaced by cysteine, an amino acid with highly dissimilar properties. This amino acid position is well conserved in available vertebrate species. In addition, the in silico prediction for this alteration is inconclusive. Based on the available evidence, the clinical significance of this variant remains unclear.

Labcorp Genetics (formerly Invitae), Labcorp
Classification: Uncertain significance for EGFR-related lung cancer. Last evaluated: 2023-07-26. Review status: criteria provided, single submitter. Criteria: Invitae Variant Classification Sherloc (09022015). Collection method: clinical testing. Allele origin: germline.
Comment: In summary, the available evidence is currently insufficient to determine the role of this variant in disease. Therefore, it has been classified as a Variant of Uncertain Significance. Advanced modeling of protein sequence and biophysical properties (such as structural, functional, and spatial information, amino acid conservation, physicochemical variation, residue mobility, and thermodynamic stability) performed at Invitae indicates that this missense variant is not expected to disrupt EGFR protein function. ClinVar contains an entry for this variant (Variation ID: 936373). This variant has not been reported in the literature in individuals affected with EGFR-related conditions. This variant is present in population databases (rs745812480, gnomAD 0.0009%). This sequence change replaces arginine, which is basic and polar, with cysteine, which is neutral and slightly polar, at codon 832 of the EGFR protein (p.Arg832Cys).